The following is an entry in ClinVar:

NM_002474.3(MYH11):c.3700G>A (p.Ala1234Thr)

Gene: MYH11 (myosin heavy chain 11; minus strand). Cytogenetic location: 16p13.11.
Variant type: single nucleotide variant.
Coding change: c.3700G>A on transcript NM_002474.3 (MANE Select); coding-DNA position 3700, G replaced by A.
Protein change: p.Ala1234Thr; replaces alanine 1234 with threonine.
Molecular consequence: missense variant.
Genome position (GRCh38, 1-based): chr16:15,727,006, C>T on the plus strand (G>A on the coding strand, the complement: MYH11 is on the minus strand). VCF-style: chr16-15727006-C-T. GRCh37 (hg19) VCF-style: chr16-15820863-C-T.
Other names: p.A1234T:GCA>ACA; c.3721G>A, p.Ala1241Thr (NM_001040113.2, NM_001040114.2); c.3700G>A, p.Ala1234Thr (NM_022844.3); short protein forms A1241T, A1234T.
Identifiers: ClinVar variation 138334 (VCV000138334.44), dbSNP rs16967494, ClinGen allele CA292284.

ClinVar aggregate classification (germline): Benign. Review status: criteria provided, multiple submitters, no conflicts (2 of 4 stars). 18 submissions from 15 submitters: Benign (18). Last evaluated 2026-02-04.

Conditions:
Cardiovascular phenotype. Identifiers: MedGen CN230736.
Visceral myopathy 2. Identifiers: MedGen C5543466, MONDO:0859157, OMIM 619350.
Megacystis-microcolon-intestinal hypoperistalsis syndrome 2. Identifiers: MedGen C5543476, MONDO:0025708, OMIM 619351.
Familial thoracic aortic aneurysm and aortic dissection (TAAD). Also called: Thoracic aortic aneurysms and dissections. Identifiers: Orphanet 91387, MedGen C4707243, MONDO:0019625.
Aortic aneurysm, familial thoracic 4 (AAT4). Also called: AORTIC ANEURYSM/AORTIC DISSECTION AND PATENT DUCTUS ARTERIOSUS. Identifiers: MedGen C1851504, MONDO:0007568, OMIM 132900.

Allele frequency attached by ClinVar (database versions not stated): 1000 Genomes Project 30x 0.20144; 1000 Genomes Project 0.20387; TOPMed 0.20629; ESP Exome Variant Server 0.20679; gnomAD 0.21955; ExAC 0.24569; gnomAD exomes 0.24670 and 0.27076.
gnomAD v4.1: 426,380 of 1,613,080 alleles (26%); highest among the groups gnomAD compares: East Asian, 33%; 58,964 homozygotes.

Submissions (18):

Labcorp Genetics (formerly Invitae), Labcorp
Classification: Benign for Aortic aneurysm, familial thoracic 4. Last evaluated: 2026-02-04. Review status: criteria provided, single submitter. Criteria: Invitae Variant Classification Sherloc (09022015). Collection method: clinical testing. Allele origin: germline.

ARUP Laboratories, Molecular Genetics and Genomics, ARUP Laboratories
Classification: Benign. Last evaluated: 2025-07-29. Review status: criteria provided, single submitter. Criteria: ARUP Molecular Germline Variant Investigation Process 2024. Collection method: clinical testing. Allele origin: germline.

Molecular Diagnostic Laboratory for Inherited Cardiovascular Disease, Montreal Heart Institute
Classification: Benign. Last evaluated: 2025-04-09. Review status: criteria provided, single submitter. Criteria: ACMG Guidelines, 2015. Collection method: clinical testing. Allele origin: germline. Affected: no.

Blueprint Genetics
Classification: Benign. Last evaluated: 2024-11-27. Review status: criteria provided, single submitter. Criteria: ACMG Guidelines, 2015. Collection method: clinical testing. Allele origin: germline.

All of Us Research Program, National Institutes of Health
Classification: Benign for Familial thoracic aortic aneurysm and aortic dissection. Last evaluated: 2024-10-03. Review status: criteria provided, single submitter. Criteria: ACMG Guidelines, 2015. Collection method: clinical testing. Allele origin: germline. Inheritance: Autosomal dominant inheritance. Observed: 60,782 variant alleles, 51,576 heterozygotes, 9,190 homozygotes, 16 hemizygotes.
Comment: This study involves interpretation of variants in research participants for the purpose of population health screening. Participant phenotype was not available at the time of variant classification. Additional details can be found in publication PMID: 35346344, PMCID: PMC8962531

Genome-Nilou Lab
Classification: Benign for Aortic aneurysm, familial thoracic 4. Last evaluated: 2021-09-05. Review status: criteria provided, single submitter. Criteria: ACMG Guidelines, 2015. Collection method: clinical testing. Allele origin: germline. Affected: no.

Genome-Nilou Lab
Classification: Benign for Megacystis-microcolon-intestinal hypoperistalsis syndrome 2. Last evaluated: 2021-09-05. Review status: criteria provided, single submitter. Criteria: ACMG Guidelines, 2015. Collection method: clinical testing. Allele origin: germline. Affected: no.

Genome-Nilou Lab
Classification: Benign for Visceral myopathy 2. Last evaluated: 2021-09-05. Review status: criteria provided, single submitter. Criteria: ACMG Guidelines, 2015. Collection method: clinical testing. Allele origin: germline. Affected: no.

CHEO Genetics Diagnostic Laboratory, Children's Hospital of Eastern Ontario
Classification: Benign for Familial thoracic aortic aneurysm and aortic dissection. Last evaluated: 2019-04-08. Review status: criteria provided, single submitter. Criteria: ACMG Guidelines, 2015. Collection method: clinical testing. Allele origin: germline.

Color Diagnostics, LLC DBA Color Health
Classification: Benign for Familial thoracic aortic aneurysm and aortic dissection. Last evaluated: 2018-03-07. Review status: criteria provided, single submitter. Criteria: ACMG Guidelines, 2015. Collection method: clinical testing. Allele origin: germline.

Illumina Laboratory Services, Illumina
Classification: Benign for Aortic aneurysm, familial thoracic 4. Last evaluated: 2018-01-12. Review status: criteria provided, single submitter. Criteria: ICSL Variant Classification Criteria 13 December 2019. Collection method: clinical testing. Allele origin: germline.
Comment: This variant was observed in the ICSL laboratory as part of a predisposition screen in an ostensibly healthy population. It had not been previously curated by ICSL or reported in the Human Gene Mutation Database (HGMD: prior to June 1st, 2018), and was therefore a candidate for classification through an automated scoring system. Utilizing variant allele frequency, disease prevalence and penetrance estimates, and inheritance mode, an automated score was calculated to assess if this variant is too frequent to cause the disease. Based on the score and internal cut-off values, a variant classified as benign is not then subjected to further curation. The score for this variant resulted in a classification of benign for this disease.

Ambry Genetics
Classification: Benign for Familial thoracic aortic aneurysm and aortic dissection. Last evaluated: 2015-02-25. Review status: criteria provided, single submitter. Criteria: Ambry Autosomal Dominant and X-Linked criteria (10/2015). Collection method: clinical testing. Allele origin: germline. Observed: 1 variant allele.
Comment: General population or subpopulation frequency is too high to be a pathogenic mutation based on disease/syndrome prevalence and penetrance

Ambry Genetics
Classification: Benign for Cardiovascular phenotype. Last evaluated: 2014-11-24. Review status: criteria provided, single submitter. Criteria: Ambry Autosomal Dominant and X-Linked criteria (10/2015). Collection method: clinical testing. Allele origin: germline. Observed: 1 variant allele.

Mayo Clinic Laboratories, Mayo Clinic
Classification: Benign. Last evaluated: 2014-02-13. Review status: criteria provided, single submitter. Criteria: ACMG Guidelines, 2015. Collection method: clinical testing. Allele origin: germline. Observed: 630 variant alleles.

Laboratory for Molecular Medicine, Mass General Brigham Personalized Medicine
Classification: Benign. Last evaluated: 2013-04-04. Review status: criteria provided, single submitter. Criteria: LMM Criteria. Collection method: clinical testing. Allele origin: germline. Observed: 14 variant alleles.
Comment: Ala1241Thr in exon 29 of MYH11: This variant is not expected to have clinical si gnificance because it has been identified in 26.2% (2253/8600) of European Ameri can chromosomes from a broad population by the NHLBI Exome Sequencing Project (dbSNP rs16967494).

GeneDx
Classification: Benign. Last evaluated: 2012-11-05. Review status: criteria provided, single submitter. Criteria: GeneDx Variant Classification (06012015). Collection method: clinical testing. Allele origin: germline. Affected: yes.
Comment: This variant is considered likely benign or benign based on one or more of the following criteria: it is a conservative change, it occurs at a poorly conserved position in the protein, it is predicted to be benign by multiple in silico algorithms, and/or has population frequency not consistent with disease.

Breakthrough Genomics
Classification: Benign. Review status: criteria provided, single submitter. Criteria: ACMG Guidelines, 2015. Collection method: not provided. Allele origin: germline. Inheritance: Autosomal recessive inheritance. Affected: yes.

PreventionGenetics, part of Exact Sciences
Classification: Benign. Review status: criteria provided, single submitter. Criteria: ACMG Guidelines, 2015. Collection method: clinical testing. Allele origin: germline.